The following is an entry in ClinVar:

NM_015512.5(DNAH1):c.5221T>G (p.Ser1741Ala)

Gene: DNAH1 (dynein axonemal heavy chain 1; plus strand). Cytogenetic location: 3p21.1.
Variant type: single nucleotide variant.
Coding change: c.5221T>G on transcript NM_015512.5 (MANE Select); coding-DNA position 5221, T replaced by G.
Protein change: p.Ser1741Ala; replaces serine 1741 with alanine.
Molecular consequence: missense variant.
Genome position (GRCh38, 1-based): chr3:52,363,121, T>G. VCF-style: chr3-52363121-T-G. GRCh37 (hg19) VCF-style: chr3-52397137-T-G.
Other names: short protein forms S1741A.
Identifiers: ClinVar variation 1398869 (VCV001398869.8), dbSNP rs1010766404, ClinGen allele CA74752354.

ClinVar aggregate classification (germline): Uncertain significance (1 of 4 stars; one submission).

Conditions:
Spermatogenic failure 18. Identifiers: MedGen C4539783, MONDO:0054615, OMIM 617576.
Ciliary dyskinesia, primary, 37 (CILD37). Also called: CILIARY DYSKINESIA, PRIMARY, 37, WITH OR WITHOUT SITUS INVERSUS. Identifiers: MedGen C4539798, MONDO:0033204, OMIM 617577.

Allele frequency attached by ClinVar (database versions not stated): gnomAD 0.00001; TOPMed 0.00002.
gnomAD v4.1: 1 of 1,613,832 alleles (0.000062%); highest among the groups gnomAD compares: African/African-American, 0.0013%; no homozygotes.

Submission:

Labcorp Genetics (formerly Invitae), Labcorp
Classification: Uncertain significance for Ciliary dyskinesia, primary, 37; Spermatogenic failure 18. Last evaluated: 2021-02-15. Review status: criteria provided, single submitter. Criteria: Invitae Variant Classification Sherloc (09022015). Collection method: clinical testing. Allele origin: germline.
Comment: In summary, the available evidence is currently insufficient to determine the role of this variant in disease. Therefore, it has been classified as a Variant of Uncertain Significance. This sequence change replaces serine with alanine at codon 1741 of the DNAH1 protein (p.Ser1741Ala). The serine residue is highly conserved and there is a moderate physicochemical difference between serine and alanine. This variant is not present in population databases (ExAC no frequency). This variant has not been reported in the literature in individuals with DNAH1-related conditions. Algorithms developed to predict the effect of missense changes on protein structure and function output the following: SIFT: "Tolerated"; PolyPhen-2: "Possibly Damaging"; Align-GVGD: "Class C0". The alanine amino acid residue is found in multiple mammalian species, suggesting that this missense change does not adversely affect protein function. These predictions have not been confirmed by published functional studies and their clinical significance is uncertain.